The following is an entry in ClinVar:

ClinVar aggregate classification (germline): Conflicting classifications of pathogenicity. Review status: criteria provided, conflicting classifications (1 of 4 stars). 2 submissions from 2 submitters: Uncertain significance (1); Likely benign (1). Last evaluated 2025-01-27.

Conditions:
Long QT syndrome (LQTS). Identifiers: MedGen C0023976, MeSH D008133, MONDO:0002442. Disease mechanism: loss of function. Inheritance: Various modes of inheritance.
Cardiovascular phenotype. Identifiers: MedGen CN230736.

Allele frequency attached by ClinVar (database versions not stated): gnomAD 0.00001; ExAC 0.00003; gnomAD exomes 0.00003 and 0.00005; TOPMed 0.00003.
gnomAD v4.1: 76 of 1,613,314 alleles (0.0047%); highest among the groups gnomAD compares: Non-Finnish European, 0.006%; no homozygotes.

Submissions (2):

Labcorp Genetics (formerly Invitae), Labcorp
Classification: Uncertain significance for Long QT syndrome. Last evaluated: 2025-01-27. Review status: criteria provided, single submitter. Criteria: Invitae Variant Classification Sherloc (09022015). Collection method: clinical testing. Allele origin: germline.
Comment: This sequence change replaces arginine, which is basic and polar, with lysine, which is basic and polar, at codon 3110 of the AKAP9 protein (p.Arg3110Lys). This variant is present in population databases (rs769098388, gnomAD 0.006%). This variant has not been reported in the literature in individuals affected with AKAP9-related conditions. ClinVar contains an entry for this variant (Variation ID: 1388275). An algorithm developed to predict the effect of missense changes on protein structure and function (PolyPhen-2) suggests that this variant is likely to be disruptive. In summary, the available evidence is currently insufficient to determine the role of this variant in disease. Therefore, it has been classified as a Variant of Uncertain Significance.

Ambry Genetics
Classification: Likely benign for Cardiovascular phenotype. Last evaluated: 2024-01-17. Review status: criteria provided, single submitter. Criteria: Ambry Variant Classification Scheme 2023. Collection method: clinical testing. Allele origin: germline.

NM_005751.5(AKAP9):c.9329G>A (p.Arg3110Lys)

Gene: AKAP9 (A-kinase anchoring protein 9; plus strand). Cytogenetic location: 7q21.2.
Variant type: single nucleotide variant.
Coding change: c.9329G>A on transcript NM_005751.5 (MANE Select); coding-DNA position 9329, G replaced by A.
Protein change: p.Arg3110Lys; replaces arginine 3110 with lysine.
Molecular consequence: missense variant.
Genome position (GRCh38, 1-based): chr7:92,089,500, G>A. VCF-style: chr7-92089500-G-A. GRCh37 (hg19) VCF-style: chr7-91718814-G-A.
Other names: c.3974G>A, p.Arg1325Lys (NM_001379277.1); c.9305G>A, p.Arg3102Lys (NM_147185.3); short protein forms R3102K, R1325K, R3110K.
Identifiers: ClinVar variation 1388275 (VCV001388275.8), dbSNP rs769098388, ClinGen allele CA4337711.